The following is an entry in ClinVar:

ClinVar aggregate classification (germline): Benign. Review status: criteria provided, multiple submitters, no conflicts (2 of 4 stars). 2 submissions from 2 submitters: Benign (2). Last evaluated 2018-01-13.

Conditions:
Maturity-onset diabetes of the young type 6 (MODY6). Identifiers: Orphanet 552, MedGen C1853371, MONDO:0011668, OMIM 606394.

Allele frequency attached by ClinVar (database versions not stated): gnomAD exomes 0.67778; gnomAD 0.68252 and 0.69212; TOPMed 0.69428; 1000 Genomes Project 30x 0.77748; 1000 Genomes Project 0.77815.

Submissions (2):

Illumina Laboratory Services, Illumina
Classification: Benign for Maturity-onset diabetes of the young type 6. Last evaluated: 2018-01-13. Review status: criteria provided, single submitter. Criteria: ICSL Variant Classification Criteria 13 December 2019. Collection method: clinical testing. Allele origin: germline.
Comment: This variant was observed in the ICSL laboratory as part of a predisposition screen in an ostensibly healthy population. It had not been previously curated by ICSL or reported in the Human Gene Mutation Database (HGMD: prior to June 1st, 2018), and was therefore a candidate for classification through an automated scoring system. Utilizing variant allele frequency, disease prevalence and penetrance estimates, and inheritance mode, an automated score was calculated to assess if this variant is too frequent to cause the disease. Based on the score and internal cut-off values, a variant classified as benign is not then subjected to further curation. The score for this variant resulted in a classification of benign for this disease.

Breakthrough Genomics
Classification: Benign. Review status: criteria provided, single submitter. Criteria: ACMG Guidelines, 2015. Collection method: not provided. Allele origin: germline. Inheritance: Autosomal dominant inheritance. Affected: yes.

NM_002500.5(NEUROD1):c.-73G>A

Gene: NEUROD1 (neuronal differentiation 1; minus strand). Cytogenetic location: 2q31.3.
Variant type: single nucleotide variant.
Coding change: c.-73G>A on transcript NM_002500.5 (MANE Select); 73 bases upstream of the start codon, G replaced by A.
Molecular consequence: 5 prime UTR variant. On other transcripts: non-coding transcript variant (2).
Genome position (GRCh38, 1-based): chr2:181,680,491, C>T on the plus strand (G>A on the coding strand, the complement: NEUROD1 is on the minus strand). VCF-style: chr2-181680491-C-T. GRCh37 (hg19) VCF-style: chr2-182545218-C-T.
Identifiers: ClinVar variation 333042 (VCV000333042.6), dbSNP rs2583016, ClinGen allele CA10613203.